The following is an entry in ClinVar:

ClinVar aggregate classification (germline): Uncertain significance (1 of 4 stars; one submission).

Conditions:
Familial cancer of breast. Also called: Hereditary breast cancer; BREAST CANCER, FAMILIAL; hereditary breast carcinoma. Identifiers: Orphanet 227535, MedGen C0346153, MONDO:0016419, OMIM 114480. Disease mechanism: loss of function.
Fanconi anemia complementation group J. Also called: BRIP1-Related Fanconi Anemia. Identifiers: Orphanet 84, MedGen C1836860, MONDO:0012187, OMIM 609054.

Submission:

Labcorp Genetics (formerly Invitae), Labcorp
Classification: Uncertain significance for Familial cancer of breast; Fanconi anemia complementation group J. Last evaluated: 2019-12-11. Review status: criteria provided, single submitter. Criteria: Invitae Variant Classification Sherloc (09022015). Collection method: clinical testing. Allele origin: germline.
Comment: In summary, this is a novel missense change that is not predicted to affect protein function or cause disease. However the evidence is insufficient at this time to prove that conclusively. It has been classified as a Variant of Uncertain Significance. Algorithms developed to predict the effect of missense changes on protein structure and function (SIFT, PolyPhen-2, Align-GVGD) all suggest that this variant is likely to be tolerated, but these predictions have not been confirmed by published functional studies. This variant has not been published in the literature and is not present in population databases. ClinVar contains an entry for this variant (Variation ID: 216790). This sequence change replaces cysteine with tyrosine at codon 87 of the BRIP1 protein (p.Cys87Tyr). The cysteine residue is moderately conserved and there is a large physicochemical difference between cysteine and tyrosine.

NM_032043.3(BRIP1):c.260G>A (p.Cys87Tyr)

Gene: BRIP1 (BRCA1 interacting DNA helicase 1; minus strand). Cytogenetic location: 17q23.2.
Variant type: single nucleotide variant.
Coding change: c.260G>A on transcript NM_032043.3 (MANE Select); coding-DNA position 260, G replaced by A.
Protein change: p.Cys87Tyr; replaces cysteine 87 with tyrosine.
Molecular consequence: missense variant.
Genome position (GRCh38, 1-based): chr17:61,857,177, C>T on the plus strand (G>A on the coding strand, the complement: BRIP1 is on the minus strand). VCF-style: chr17-61857177-C-T. GRCh37 (hg19) VCF-style: chr17-59934538-C-T.
Other names: short protein forms C87Y.
Identifiers: ClinVar variation 216790 (VCV000216790.10), dbSNP rs863224800, ClinGen allele CA339376.
Genomic context (GRCh38, chr17:61,857,177, plus strand): 5'-TGACGTGAAGTTCCTTGGTTCATGTCATTGTTTGTAAAATCCTTTGAATGGCATGCACAA[C>T]AACATGACAATTGTACTTCAGCTTTTTCACTTACGCCCTCATCTGCTGGTTTCCCTAAAA-3'
Protein context (NP_114432.2, residues 77-97): SEKAEVQLSC[Cys87Tyr]CACHSKDFTN